The following is an entry in ClinVar:

NM_001077365.2(POMT1):c.2053T>A (p.Ser685Thr)

Gene: POMT1 (protein O-mannosyltransferase 1; plus strand). Cytogenetic location: 9q34.13.
Variant type: single nucleotide variant.
Coding change: c.2053T>A on transcript NM_001077365.2 (MANE Select); coding-DNA position 2053, T replaced by A.
Protein change: p.Ser685Thr; replaces serine 685 with threonine.
Molecular consequence: missense variant. On other transcripts: non-coding transcript variant (10).
Genome position (GRCh38, 1-based): chr9:131,522,981, T>A. VCF-style: chr9-131522981-T-A. GRCh37 (hg19) VCF-style: chr9-134398368-T-A.
Other names: c.1891T>A, p.Ser631Thr (NM_001077366.2, NM_001353194.2); c.2041T>A, p.Ser681Thr (NM_001374689.1); c.1834T>A, p.Ser612Thr (NM_001374690.1); c.1702T>A, p.Ser568Thr (NM_001374691.1, NM_001374692.1, NM_001374693.1 and 2 more transcripts); c.1663T>A, p.Ser555Thr (NM_001374695.1); c.2119T>A, p.Ser707Thr (NM_007171.4, NM_001353193.2); c.2053T>A, p.Ser685Thr (NM_001136113.2); c.1963T>A, p.Ser655Thr (NM_001353196.2); and 3 more; short protein forms S631T, S655T, S681T, S533T, S653T, S685T, S555T, S612T.
Identifiers: ClinVar variation 1428286 (VCV001428286.6), dbSNP rs1588513928, ClinGen allele CA375315077.
Genomic context (GRCh38, chr9:131,522,981, plus strand): 5'-GACCTCTGCAGGTCCCAGCTCCAGAGGAGCATCTTCAGCGCCCTGGTGGTGGCCTGGTAC[T>A]CCTCCGCGTGCCACGTGTCCAACACGCTGCGCCCACTCACCTACGGGGACAAGTCACTCT-3'
Protein context (NP_001070833.1, residues 675-695): IFSALVVAWY[Ser685Thr]SACHVSNTLR

ClinVar aggregate classification (germline): Uncertain significance (1 of 4 stars; one submission).

Conditions:
Walker-Warburg congenital muscular dystrophy. Also called: Muscular dystrophy-dystroglycanopathy, type A; Walker-Warburg syndrome. Identifiers: Orphanet 899, MedGen C0265221, MONDO:0000171.
Autosomal recessive limb-girdle muscular dystrophy type 2K. Also called: MUSCULAR DYSTROPHY, LIMB-GIRDLE, TYPE 2K; MUSCULAR DYSTROPHY-DYSTROGLYCANOPATHY (LIMB-GIRDLE), TYPE C, 1. Identifiers: Orphanet 86812, MedGen C1836373, MONDO:0012248, OMIM 609308.
Muscular dystrophy-dystroglycanopathy (congenital with impaired intellectual development), type B, 1. Also called: MUSCULAR DYSTROPHY, CONGENITAL, POMT1-RELATED; Muscular dystrophy-dystroglycanopathy (congenital with intellectual disability), type B1. Identifiers: MedGen C5436962, MONDO:0013159, OMIM 613155.

Submission:

Labcorp Genetics (formerly Invitae), Labcorp
Classification: Uncertain significance for Muscular dystrophy-dystroglycanopathy (congenital with impaired intellectual development), type B, 1; Walker-Warburg congenital muscular dystrophy; Autosomal recessive limb-girdle muscular dystrophy type 2K. Last evaluated: 2022-07-18. Review status: criteria provided, single submitter. Criteria: Invitae Variant Classification Sherloc (09022015). Collection method: clinical testing. Allele origin: germline.
Comment: Algorithms developed to predict the effect of missense changes on protein structure and function output the following: SIFT: "Tolerated"; PolyPhen-2: "Benign"; Align-GVGD: "Class C0". The threonine amino acid residue is found in multiple mammalian species, which suggests that this missense change does not adversely affect protein function. In summary, the available evidence is currently insufficient to determine the role of this variant in disease. Therefore, it has been classified as a Variant of Uncertain Significance. ClinVar contains an entry for this variant (Variation ID: 1428286). This variant has not been reported in the literature in individuals affected with POMT1-related conditions. This variant is not present in population databases (gnomAD no frequency). This sequence change replaces serine, which is neutral and polar, with threonine, which is neutral and polar, at codon 707 of the POMT1 protein (p.Ser707Thr).